The following is an entry in ClinVar:

NM_001077653.2(TBX20):c.1126G>T (p.Ala376Ser)

Gene: TBX20 (T-box transcription factor 20; minus strand). Cytogenetic location: 7p14.2.
Variant type: single nucleotide variant.
Coding change: c.1126G>T on transcript NM_001077653.2 (MANE Select); coding-DNA position 1126, G replaced by T.
Protein change: p.Ala376Ser; replaces alanine 376 with serine.
Molecular consequence: missense variant.
Genome position (GRCh38, 1-based): chr7:35,202,648, C>A on the plus strand (G>T on the coding strand, the complement: TBX20 is on the minus strand). VCF-style: chr7-35202648-C-A. GRCh37 (hg19) VCF-style: chr7-35242260-C-A.
Other names: short protein forms A376S.
Identifiers: ClinVar variation 1799219 (VCV001799219.8), dbSNP rs765471897, ClinGen allele CA4217352.

ClinVar aggregate classification (germline): Uncertain significance. Review status: criteria provided, multiple submitters, no conflicts (2 of 4 stars). 2 submissions from 2 submitters: Uncertain significance (2). Last evaluated 2025-05-05.

Conditions:
Cardiovascular phenotype. Identifiers: MedGen CN230736.

Allele frequency attached by ClinVar (database versions not stated): gnomAD exomes below 0.00001; ExAC 0.00002.
gnomAD v4.1: 2 of 1,613,730 alleles (0.00012%); highest among the groups gnomAD compares: Non-Finnish European, 0.00017%; no homozygotes.

Submissions (2):

Labcorp Genetics (formerly Invitae), Labcorp
Classification: Uncertain significance. Last evaluated: 2025-05-05. Review status: criteria provided, single submitter. Criteria: Invitae Variant Classification Sherloc (09022015). Collection method: clinical testing. Allele origin: germline.
Comment: This sequence change replaces alanine, which is neutral and non-polar, with serine, which is neutral and polar, at codon 376 of the TBX20 protein (p.Ala376Ser). This variant is present in population databases (rs765471897, gnomAD 0.002%). This variant has not been reported in the literature in individuals affected with TBX20-related conditions. ClinVar contains an entry for this variant (Variation ID: 1799219). Invitae Evidence Modeling of protein sequence and biophysical properties (such as structural, functional, and spatial information, amino acid conservation, physicochemical variation, residue mobility, and thermodynamic stability) indicates that this missense variant is not expected to disrupt TBX20 protein function with a negative predictive value of 80%. In summary, the available evidence is currently insufficient to determine the role of this variant in disease. Therefore, it has been classified as a Variant of Uncertain Significance.

Ambry Genetics
Classification: Uncertain significance for Cardiovascular phenotype. Last evaluated: 2024-04-28. Review status: criteria provided, single submitter. Criteria: Ambry Variant Classification Scheme 2023. Collection method: clinical testing. Allele origin: germline.
Comment: The p.A376S variant (also known as c.1126G>T), located in coding exon 8 of the TBX20 gene, results from a G to T substitution at nucleotide position 1126. The alanine at codon 376 is replaced by serine, an amino acid with similar properties. This amino acid position is highly conserved in available vertebrate species. In addition, the in silico prediction for this alteration is inconclusive. Since supporting evidence is limited at this time, the clinical significance of this alteration remains unclear.